The following is an entry in ClinVar:

ClinVar aggregate classification (germline): Pathogenic/Likely pathogenic. Review status: criteria provided, multiple submitters, no conflicts (2 of 4 stars). 2 submissions from 2 submitters: Pathogenic (1); Likely pathogenic (1). Last evaluated 2024-08-30.

Conditions:
Biotinidase deficiency. Also called: Biotin deficiency; BTD deficiency; Late-onset biotin-responsive multiple carboxylase deficiency. Identifiers: Orphanet 79241, MedGen C0220754, MONDO:0009665, OMIM 253260.

Submissions (2):

Labcorp Genetics (formerly Invitae), Labcorp
Classification: Pathogenic for Biotinidase deficiency. Last evaluated: 2024-08-30. Review status: criteria provided, single submitter. Criteria: Invitae Variant Classification Sherloc (09022015). Collection method: clinical testing. Allele origin: germline.
Comment: This sequence change creates a premature translational stop signal (p.Tyr494Ilefs*7) in the BTD gene. While this is not anticipated to result in nonsense mediated decay, it is expected to disrupt the last 50 amino acid(s) of the BTD protein. This variant is not present in population databases (gnomAD no frequency). This variant has not been reported in the literature in individuals affected with BTD-related conditions. ClinVar contains an entry for this variant (Variation ID: 574460). This variant disrupts a region of the BTD protein in which other variant(s) (p.Leu498Phefs*13) have been determined to be pathogenic (PMID: 17382128). This suggests that this is a clinically significant region of the protein, and that variants that disrupt it are likely to be disease-causing. For these reasons, this variant has been classified as Pathogenic.

Baylor Genetics
Classification: Likely pathogenic for Biotinidase deficiency. Last evaluated: 2023-10-07. Review status: criteria provided, single submitter. Criteria: ACMG Guidelines, 2015. Collection method: clinical testing. Allele origin: unknown.

Literature cited by the submitters: PubMed 17382128 (cited by Labcorp Genetics (formerly Invitae), Labcorp).

NM_001370658.1(BTD):c.1419del (p.Tyr474fs)

Gene: BTD (biotinidase; plus strand). Cytogenetic location: 3p25.1.
Variant type: Deletion.
Coding change: c.1419del on transcript NM_001370658.1 (MANE Select); coding-DNA position 1419, one base deleted (C; older notation c.1419delC).
Protein change: p.Tyr474fs; shifts the reading frame from tyrosine 474.
Molecular consequence: frameshift variant. On other transcripts: intron variant (8).
Genome position (GRCh38, 1-based): chr3:15,645,335, C deleted; the last of 2 consecutive C bases (chr3:15,645,334-15,645,335); deleting either gives the same sequence. VCF-style (leftmost placement, unchanged base first): chr3-15645333-TC-T. GRCh37 (hg19) VCF-style: chr3-15686840-TC-T.
Other names: c.1479del (NM_000060.4); c.1419del, p.Tyr474fs (NM_001281723.4, NM_001281724.3, NM_001281725.3 and 16 more transcripts); c.1015+404del (NM_001370752.1, NM_001407379.1); c.399+3278del (NM_001370753.1, NM_001407400.1, NM_001407380.1 and 3 more transcripts); short protein forms Y474fs.
Identifiers: ClinVar variation 574460 (VCV000574460.10), dbSNP rs1559600938, ClinGen allele CA891843043.
Genomic context (GRCh38, chr3:15,645,333, plus strand): 5'-CAGGAAATCACAGAGGCCACGGGGATATTTGAGTTTCACCTGTGGGGCAACTTCAGTACT[TC>T]CTATATCTTTCCTTTGTTTCTGACCTCAGGGATGACCCTAGAAGTCCCTGACCAGCTTGG-3'